The following is an entry in ClinVar:

NM_001365951.3(KIF1B):c.1862-1_1881dup

Gene: KIF1B (kinesin family member 1B; plus strand). Cytogenetic location: 1p36.22.
Variant type: Duplication.
Coding change: c.1862-1_1881dup on transcript NM_001365951.3 (MANE Select); the canonical splice acceptor site of the intron before coding-DNA position 1862 through coding-DNA position 1881, 21 bases duplicated (GGAAACCGTATCATCATGGGT).
Molecular consequence: splice acceptor variant.
Genome position (GRCh38, 1-based): chr1:10,296,896-10,296,916, GGAAACCGTATCATCATGGGT duplicated. VCF-style (leftmost placement, unchanged base first): chr1-10296895-A-AGGAAACCGTATCATCATGGGT. GRCh37 (hg19) VCF-style: chr1-10356953-A-AGGAAACCGTATCATCATGGGT.
Other names: c.1724-1_1743dup (NM_183416.4, NM_015074.3, NM_001365953.1); c.1862-1_1881dup (NM_001365952.1).
Identifiers: ClinVar variation 2012517 (VCV002012517.4), dbSNP rs2521401388, ClinGen allele CA913047095.

ClinVar aggregate classification (germline): Uncertain significance (1 of 4 stars; one submission).

Conditions:
Charcot-Marie-Tooth disease type 2. Also called: Charcot-Marie-Tooth type 2. Identifiers: Orphanet 64746, MedGen C0270914, MONDO:0018993.

Submission:

Labcorp Genetics (formerly Invitae), Labcorp
Classification: Uncertain significance for Charcot-Marie-Tooth disease type 2. Last evaluated: 2022-09-12. Review status: criteria provided, single submitter. Criteria: Invitae Variant Classification Sherloc (09022015). Collection method: clinical testing. Allele origin: germline.
Comment: Algorithms developed to predict the effect of sequence changes on RNA splicing suggest that this variant may disrupt the consensus splice site. In summary, the available evidence is currently insufficient to determine the role of this variant in disease. Therefore, it has been classified as a Variant of Uncertain Significance. This variant has not been reported in the literature in individuals affected with KIF1B-related conditions. This variant is not present in population databases (gnomAD no frequency). This variant, c.1724-1_1743dup, results in the insertion of 7 amino acid(s) of the KIF1B protein (p.Gly575_Gly581dup), but otherwise preserves the integrity of the reading frame.